The following is an entry in ClinVar:

ClinVar aggregate classification (germline): Uncertain significance (1 of 4 stars; one submission).

Submission:

GeneDx
Classification: Uncertain significance. Last evaluated: 2025-06-09. Review status: criteria provided, single submitter. Criteria: GeneDx Variant Classification Process June 2021. Collection method: clinical testing. Allele origin: germline. Affected: yes.
Comment: Not observed at significant frequency in large population cohorts (gnomAD); In silico analysis suggests that this missense variant does not alter protein structure/function; Has not been previously published as pathogenic or benign to our knowledge; This variant is associated with the following publications: (PMID: 39225042)

NM_052876.4(NACC1):c.1403G>A (p.Arg468His)

Gene: NACC1 (nucleus accumbens associated 1; plus strand). Cytogenetic location: 19p13.13.
Variant type: single nucleotide variant.
Coding change: c.1403G>A on transcript NM_052876.4 (MANE Select); coding-DNA position 1403, G replaced by A.
Protein change: p.Arg468His; replaces arginine 468 with histidine.
Molecular consequence: missense variant.
Genome position (GRCh38, 1-based): chr19:13,138,225, G>A. VCF-style: chr19-13138225-G-A. GRCh37 (hg19) VCF-style: chr19-13249039-G-A.
Other names: short protein forms R468H.
Identifiers: ClinVar variation 4537988 (VCV004537988.1).